The following is an entry in ClinVar:

ClinVar aggregate classification (germline): Uncertain significance (1 of 4 stars; one submission).

Allele frequency attached by ClinVar (database versions not stated): gnomAD exomes below 0.00001.
gnomAD v4.1: 1 of 1,613,634 alleles (0.000062%); highest among the groups gnomAD compares: Non-Finnish European, 0.000085%; no homozygotes.

Submission:

Labcorp Genetics (formerly Invitae), Labcorp
Classification: Uncertain significance. Last evaluated: 2025-12-15. Review status: criteria provided, single submitter. Criteria: Invitae Variant Classification Sherloc (09022015). Collection method: clinical testing. Allele origin: germline.
Comment: This sequence change creates a premature translational stop signal (p.Gln671*) in the GUCY2C gene. It is expected to result in an absent or disrupted protein product. However, the current clinical and genetic evidence is not sufficient to establish whether loss-of-function variants in GUCY2C cause disease. This variant is not present in population databases (gnomAD no frequency). This variant has not been reported in the literature in individuals affected with GUCY2C-related conditions. ClinVar contains an entry for this variant (Variation ID: 2986108). In summary, the available evidence is currently insufficient to determine the role of this variant in disease. Therefore, it has been classified as a Variant of Uncertain Significance.

NM_004963.4(GUCY2C):c.2011C>T (p.Gln671Ter)

Gene: GUCY2C (guanylate cyclase 2C; minus strand). Cytogenetic location: 12p12.3.
Variant type: single nucleotide variant.
Coding change: c.2011C>T on transcript NM_004963.4 (MANE Select); coding-DNA position 2011, C replaced by T.
Protein change: p.Gln671Ter; replaces glutamine 671 with a stop codon.
Molecular consequence: nonsense.
Genome position (GRCh38, 1-based): chr12:14,641,139, G>A on the plus strand (C>T on the coding strand, the complement: GUCY2C is on the minus strand). VCF-style: chr12-14641139-G-A. GRCh37 (hg19) VCF-style: chr12-14794073-G-A.
Other names: short protein forms Q671*.
Identifiers: ClinVar variation 2986108 (VCV002986108.3), dbSNP rs2497680978, ClinGen allele CA383984047.